The following is an entry in ClinVar:

Single allele

Genes: CASK (calcium/calmodulin dependent serine protein kinase; minus strand), DDX3X (DEAD-box helicase 3 X-linked; plus strand), NYX (nyctalopin; plus strand). Cytogenetic location: Xp11.4.
Variant type: Duplication.
Identifiers: ClinVar variation 560086 (VCV000560086.3).

ClinVar aggregate classification (germline): Uncertain significance (1 of 4 stars; one submission).

Submission:

Geisinger Autism and Developmental Medicine Institute, Geisinger Health System
Classification: Uncertain significance. Last evaluated: 2018-01-31. Review status: criteria provided, single submitter. Criteria: ACMG CNV Guidelines, 2011. Collection method: provider interpretation. Allele origin: maternal.